The following is an entry in ClinVar:

NM_206926.2(SELENON):c.7C>G (p.Arg3Gly)

Gene: SELENON (selenoprotein N; plus strand). Cytogenetic location: 1p36.11.
Variant type: single nucleotide variant.
Coding change: c.7C>G on transcript NM_206926.2 (MANE Select); coding-DNA position 7, C replaced by G.
Protein change: p.Arg3Gly; replaces arginine 3 with glycine.
Molecular consequence: missense variant.
Genome position (GRCh38, 1-based): chr1:25,800,237, C>G. VCF-style: chr1-25800237-C-G. GRCh37 (hg19) VCF-style: chr1-26126728-C-G.
Other names: c.7C>G, p.Arg3Gly (NM_020451.3); short protein forms R3G.
Identifiers: ClinVar variation 863279 (VCV000863279.8), dbSNP rs866566089, ClinGen allele CA339105642.
Genomic context (GRCh38, chr1:25,800,237, plus strand): 5'-CCCGCCCCGCTCTTTCGCTTCCCGGGCCGCCGGCAGCCGCCGCCAGCCGCAGCCATGGGC[C>G]GGGCCCGGCCGGGCCAACGCGGGCCGCCCAGCCCCGGCCCCGCCGCGCAGCCTCCCGCGC-3'
Protein context (NP_996809.1, residues 1-13): MG[Arg3Gly]ARPGQRGPPS

ClinVar aggregate classification (germline): Uncertain significance (1 of 4 stars; one submission).

Conditions:
Eichsfeld type congenital muscular dystrophy (CMYO3). Also called: MYOPATHY, SEPN1-RELATED; SELENON-related myopathy; Congenital myopathy 3 with rigid spine; Rigid spine muscular dystrophy 1. Identifiers: MedGen C0410180, MONDO:0100100, OMIM 602771.

Submission:

Labcorp Genetics (formerly Invitae), Labcorp
Classification: Uncertain significance for Eichsfeld type congenital muscular dystrophy. Last evaluated: 2020-02-24. Review status: criteria provided, single submitter. Criteria: Invitae Variant Classification Sherloc (09022015). Collection method: clinical testing. Allele origin: germline.
Comment: In summary, the available evidence is currently insufficient to determine the role of this variant in disease. Therefore, it has been classified as a Variant of Uncertain Significance. Algorithms developed to predict the effect of missense changes on protein structure and function (SIFT, PolyPhen-2, Align-GVGD) all suggest that this variant is likely to be tolerated, but these predictions have not been confirmed by published functional studies and their clinical significance is uncertain. This variant has not been reported in the literature in individuals with SELENON-related conditions. The frequency data for this variant in the population databases is considered unreliable, as metrics indicate insufficient coverage at this position in the ExAC database. This sequence change replaces arginine with glycine at codon 3 of the SELENON protein (p.Arg3Gly). The arginine residue is weakly conserved and there is a moderate physicochemical difference between arginine and glycine.